The following is an entry in ClinVar:

NM_001017420.3(ESCO2):c.107T>G (p.Phe36Cys)

Gene: ESCO2 (establishment of sister chromatid cohesion N-acetyltransferase 2; plus strand). Cytogenetic location: 8p21.1.
Variant type: single nucleotide variant.
Coding change: c.107T>G on transcript NM_001017420.3 (MANE Select); coding-DNA position 107, T replaced by G.
Protein change: p.Phe36Cys; replaces phenylalanine 36 with cysteine.
Molecular consequence: missense variant.
Genome position (GRCh38, 1-based): chr8:27,776,415, T>G. VCF-style: chr8-27776415-T-G. GRCh37 (hg19) VCF-style: chr8-27633932-T-G.
Other names: short protein forms F36C.
Identifiers: ClinVar variation 1979691 (VCV001979691.2), dbSNP rs919439458, ClinGen allele CA174252712.

ClinVar aggregate classification (germline): Uncertain significance. Review status: criteria provided, multiple submitters, no conflicts (2 of 4 stars). 2 submissions from 2 submitters: Uncertain significance (2). Last evaluated 2024-02-24.

Conditions:
Juberg-Hayward syndrome (JHS). Also called: Cleft lip/palate with abnormal thumbs and microcephaly; OROCRANIODIGITAL SYNDROME. Identifiers: Orphanet 2319, MedGen C0796099, MONDO:0008992, OMIM 216100.
Roberts-SC phocomelia syndrome (RBS). Also called: LONG BONE DEFICIENCIES ASSOCIATED WITH CLEFT LIP-PALATE; ESCO2 Spectrum Disorder; Hypomelia hypotrichosis facial hemangioma syndrome; Pseudothalidomide syndrome; Appelt-Gerken-Lenz syndrome. Identifiers: Orphanet 3103, MedGen C0392475, MONDO:0100253, OMIM 268300.

Allele frequency attached by ClinVar (database versions not stated): TOPMed 0.00001.
gnomAD v4.1: 4 of 1,608,326 alleles (0.00025%); highest among the groups gnomAD compares: Admixed American, 0.0068%; no homozygotes.

Submissions (2):

Fulgent Genetics
Classification: Uncertain significance for Juberg-Hayward syndrome; Roberts-SC phocomelia syndrome. Last evaluated: 2024-02-24. Review status: criteria provided, single submitter. Criteria: ACMG Guidelines, 2015. Collection method: clinical testing. Allele origin: germline.

Labcorp Genetics (formerly Invitae), Labcorp
Classification: Uncertain significance. Last evaluated: 2022-06-12. Review status: criteria provided, single submitter. Criteria: Invitae Variant Classification Sherloc (09022015). Collection method: clinical testing. Allele origin: germline.
Comment: This sequence change replaces phenylalanine, which is neutral and non-polar, with cysteine, which is neutral and slightly polar, at codon 36 of the ESCO2 protein (p.Phe36Cys). This variant is present in population databases (no rsID available, gnomAD 0.006%). This variant has not been reported in the literature in individuals affected with ESCO2-related conditions. Algorithms developed to predict the effect of missense changes on protein structure and function (SIFT, PolyPhen-2, Align-GVGD) all suggest that this variant is likely to be tolerated. Algorithms developed to predict the effect of sequence changes on RNA splicing suggest that this variant may disrupt the consensus splice site. In summary, the available evidence is currently insufficient to determine the role of this variant in disease. Therefore, it has been classified as a Variant of Uncertain Significance.